The following is an entry in ClinVar:

NM_152564.5(VPS13B):c.3948A>G (p.Gly1316=)

Gene: VPS13B (vacuolar protein sorting 13 homolog B; plus strand). Cytogenetic location: 8q22.2.
Variant type: single nucleotide variant.
Coding change: c.3948A>G on transcript NM_152564.5 (MANE Select); coding-DNA position 3948, A replaced by G.
Protein change: p.Gly1316=; no amino-acid change (glycine 1316 retained).
Molecular consequence: synonymous variant.
Genome position (GRCh38, 1-based): chr8:99,501,764, A>G. VCF-style: chr8-99501764-A-G. GRCh37 (hg19) VCF-style: chr8-100513992-A-G.
Other names: c.3948A>G, p.Gly1316= (NM_017890.5); c.3948A>G (NM_152564.4).
Identifiers: ClinVar variation 528871 (VCV000528871.11), dbSNP rs975356010, ClinGen allele CA182981233.

ClinVar aggregate classification (germline): Likely benign. Review status: criteria provided, single submitter (1 of 4 stars). 2 submissions from 2 submitters: Likely benign (1). 1 of the submissions does not count toward it. Last evaluated 2024-06-05.

Conditions:
Cohen syndrome (COH1). Also called: PEPPER SYNDROME; Cutis verticis gyrata, retinitis pigmentosa, and sensorineural deafness. Identifiers: Orphanet 193, MedGen C0265223, MONDO:0008999, OMIM 216550.
VPS13B-related disorder. Also called: VPS13B-related condition.

Allele frequency attached by ClinVar (database versions not stated): gnomAD exomes below 0.00001; gnomAD 0.00001; TOPMed 0.00001.
gnomAD v4.1: 4 of 1,614,084 alleles (0.00025%); highest among the groups gnomAD compares: Non-Finnish European, 0.00034%; no homozygotes.

Submissions (2):

Labcorp Genetics (formerly Invitae), Labcorp
Classification: Likely benign for Cohen syndrome. Last evaluated: 2024-06-05. Review status: criteria provided, single submitter. Criteria: Invitae Variant Classification Sherloc (09022015). Collection method: clinical testing. Allele origin: germline.

PreventionGenetics, part of Exact Sciences
Classification: Likely benign for VPS13B-related condition. Last evaluated: 2024-06-19. Review status: no assertion criteria provided. Collection method: clinical testing. Allele origin: germline. Not counted in ClinVar's aggregate classification.
Comment: This variant is classified as likely benign based on ACMG/AMP sequence variant interpretation guidelines (Richards et al. 2015 PMID: 25741868, with internal and published modifications).